The following is an entry in ClinVar:

ClinVar aggregate classification (germline): Uncertain significance. Review status: criteria provided, multiple submitters, no conflicts (2 of 4 stars). 3 submissions from 3 submitters: Uncertain significance (3). Last evaluated 2025-07-11.

Conditions:
Bethlem myopathy 1A. Also called: Bethlem myopathy 1; MYOPATHY, BENIGN CONGENITAL, WITH CONTRACTURES; Bethlem Muscular Dystrophy. Identifiers: Orphanet 610, MedGen CN029274, MONDO:0024530, OMIM 158810.

Allele frequency attached by ClinVar (database versions not stated): gnomAD exomes below 0.00001 and 0.00001; gnomAD 0.00001; TOPMed 0.00002.
gnomAD v4.1: 16 of 1,613,910 alleles (0.00099%); highest among the groups gnomAD compares: Middle Eastern, 0.016%; no homozygotes.

Submissions (3):

Labcorp Genetics (formerly Invitae), Labcorp
Classification: Uncertain significance for Bethlem myopathy 1A. Last evaluated: 2025-07-11. Review status: criteria provided, single submitter. Criteria: Invitae Variant Classification Sherloc (09022015). Collection method: clinical testing. Allele origin: germline.
Comment: This sequence change replaces glutamine, which is neutral and polar, with lysine, which is basic and polar, at codon 1207 of the COL6A3 protein (p.Gln1207Lys). This variant is present in population databases (no rsID available, gnomAD 0.0009%). This missense change has been observed in individual(s) with clinical features of limb-girdle muscular dystrophy (PMID: 30564623). ClinVar contains an entry for this variant (Variation ID: 282430). Invitae Evidence Modeling of protein sequence and biophysical properties (such as structural, functional, and spatial information, amino acid conservation, physicochemical variation, residue mobility, and thermodynamic stability) indicates that this missense variant is not expected to disrupt COL6A3 protein function with a negative predictive value of 80%. In summary, the available evidence is currently insufficient to determine the role of this variant in disease. Therefore, it has been classified as a Variant of Uncertain Significance.

Revvity Omics, Revvity
Classification: Uncertain significance. Last evaluated: 2025-02-26. Review status: criteria provided, single submitter. Criteria: ACMG Guidelines, 2015. Collection method: clinical testing. Allele origin: germline.

Eurofins Ntd Llc (ga)
Classification: Uncertain significance. Last evaluated: 2015-08-18. Review status: criteria provided, single submitter. Criteria: EGL Classification Definitions 2015. Collection method: clinical testing. Allele origin: germline. Observed: 1 variant allele, 1 heterozygote.

Literature cited by the submitters: PubMed 30564623 (cited by Labcorp Genetics (formerly Invitae), Labcorp).

NM_004369.4(COL6A3):c.3619C>A (p.Gln1207Lys)

Gene: COL6A3 (collagen type VI alpha 3 chain; minus strand). Cytogenetic location: 2q37.3.
Variant type: single nucleotide variant.
Coding change: c.3619C>A on transcript NM_004369.4 (MANE Select); coding-DNA position 3619, C replaced by A.
Protein change: p.Gln1207Lys; replaces glutamine 1207 with lysine.
Molecular consequence: missense variant.
Genome position (GRCh38, 1-based): chr2:237,374,472, G>T on the plus strand (C>A on the coding strand, the complement: COL6A3 is on the minus strand). VCF-style: chr2-237374472-G-T. GRCh37 (hg19) VCF-style: chr2-238283115-G-T.
Other names: c.2398C>A, p.Gln800Lys (NM_057164.5); c.3001C>A, p.Gln1001Lys (NM_057165.5, NM_057167.4); c.1798C>A, p.Gln600Lys (NM_057166.5); short protein forms Q1207K, Q1001K, Q600K, Q800K.
Identifiers: ClinVar variation 282430 (VCV000282430.15), dbSNP rs886042393, ClinGen allele CA10604174.